The following is an entry in ClinVar:

NM_000292.3(PHKA2):c.2313G>A (p.Ser771=)

Gene: PHKA2 (phosphorylase kinase regulatory subunit alpha 2; minus strand). Cytogenetic location: Xp22.13.
Variant type: single nucleotide variant.
Coding change: c.2313G>A on transcript NM_000292.3 (MANE Select); coding-DNA position 2313, G replaced by A.
Protein change: p.Ser771=; no amino-acid change (serine 771 retained).
Molecular consequence: synonymous variant.
Genome position (GRCh38, 1-based): chrX:18,908,848, C>T on the plus strand (G>A on the coding strand, the complement: PHKA2 is on the minus strand). VCF-style: chrX-18908848-C-T. GRCh37 (hg19) VCF-style: chrX-18926966-C-T.
Identifiers: ClinVar variation 507878 (VCV000507878.2), dbSNP rs758348456, ClinGen allele CA10361673.
Genomic context (GRCh38, chrX:18,908,848, plus strand): 5'-CTCAGACACTTACTTTATGACATAAAGAATGTACAGAATGTCTGCTTGGTCCTGTAGGTT[C>T]GAACAATCTTTTAGCTGCTCAACCAGCTTCTCACAGTCCACGTCACCATGGTCATCTCTG-3'
Protein context (NP_000283.1, residues 761-781): EKLVEQLKDC[Ser771=]NLQDQADILY

ClinVar aggregate classification (germline): Likely benign. Review status: criteria provided, multiple submitters, no conflicts (2 of 4 stars). 2 submissions from 2 submitters: Likely benign (2). Last evaluated 2025-12-14.

Conditions:
Glycogen storage disease IXa1. Also called: GLYCOGEN STORAGE DISEASE VIII; GSD VIII; Glycogen storage disease 8; LIVER GLYCOGENOSIS, X-LINKED, TYPE I. Identifiers: Orphanet 264580, MedGen C3694531, MONDO:0010598, OMIM 306000.

Allele frequency attached by ClinVar (database versions not stated): ExAC 0.00001; gnomAD exomes 0.00001 and 0.00002; TOPMed 0.00001.
gnomAD v4.1: 9 of 1,210,100 alleles (0.00074%); highest among the groups gnomAD compares: Admixed American, 0.0065%; no homozygotes.

Submissions (2):

Labcorp Genetics (formerly Invitae), Labcorp
Classification: Likely benign for Glycogen storage disease IXa1. Last evaluated: 2025-12-14. Review status: criteria provided, single submitter. Criteria: Invitae Variant Classification Sherloc (09022015). Collection method: clinical testing. Allele origin: germline.

GeneDx
Classification: Likely benign. Last evaluated: 2017-03-22. Review status: criteria provided, single submitter. Criteria: GeneDx Variant Classification (06012015). Collection method: clinical testing. Allele origin: germline. Affected: yes.
Comment: This variant is considered likely benign or benign based on one or more of the following criteria: it is a conservative change, it occurs at a poorly conserved position in the protein, it is predicted to be benign by multiple in silico algorithms, and/or has population frequency not consistent with disease.